The following is an entry in ClinVar:

NM_145038.5(DRC1):c.356+3A>G

Gene: DRC1 (dynein regulatory complex subunit 1; plus strand). Cytogenetic location: 2p23.3.
Variant type: single nucleotide variant.
Coding change: c.356+3A>G on transcript NM_145038.5 (MANE Select); 3 bases into the intron after coding-DNA position 356, A replaced by G.
Molecular consequence: intron variant.
Genome position (GRCh38, 1-based): chr2:26,421,403, A>G. VCF-style: chr2-26421403-A-G. GRCh37 (hg19) VCF-style: chr2-26644271-A-G.
Identifiers: ClinVar variation 647453 (VCV000647453.7), dbSNP rs1572361252, ClinGen allele CA915943783.

ClinVar aggregate classification (germline): Uncertain significance (1 of 4 stars; one submission).

Conditions:
Primary ciliary dyskinesia. Also called: Ciliary dyskinesia. Identifiers: Orphanet 244, MedGen C0008780, MONDO:0016575, HP:0012265.

Submission:

Labcorp Genetics (formerly Invitae), Labcorp
Classification: Uncertain significance for Primary ciliary dyskinesia. Last evaluated: 2018-12-04. Review status: criteria provided, single submitter. Criteria: Invitae Variant Classification Sherloc (09022015). Collection method: clinical testing. Allele origin: germline.
Comment: This sequence change falls in intron 3 of the DRC1 gene. It does not directly change the encoded amino acid sequence of the DRC1 protein, but it affects a nucleotide within the consensus splice site of the intron. This variant is not present in population databases (ExAC no frequency). In summary, the available evidence is currently insufficient to determine the role of this variant in disease. Therefore, it has been classified as a Variant of Uncertain Significance. Nucleotide substitutions within the consensus splice site are a relatively common cause of aberrant splicing (PMID: 17576681, 9536098). Algorithms developed to predict the effect of sequence changes on RNA splicing suggest that this variant is not likely to affect RNA splicing, but this prediction has not been confirmed by published transcriptional studies. This variant has not been reported in the literature in individuals with DRC1-related conditions.

Literature cited by the submitters: PubMed 17576681; PubMed 9536098.